The following is an entry in ClinVar:

NM_004064.5(CDKN1B):c.61G>A (p.Ala21Thr)

Gene: CDKN1B (cyclin dependent kinase inhibitor 1B; plus strand). Cytogenetic location: 12p13.1.
Variant type: single nucleotide variant.
Coding change: c.61G>A on transcript NM_004064.5 (MANE Select); coding-DNA position 61, G replaced by A.
Protein change: p.Ala21Thr; replaces alanine 21 with threonine.
Molecular consequence: missense variant.
Genome position (GRCh38, 1-based): chr12:12,717,900, G>A. VCF-style: chr12-12717900-G-A. GRCh37 (hg19) VCF-style: chr12-12870834-G-A.
Other names: short protein forms A21T.
Identifiers: ClinVar variation 1752173 (VCV001752173.7), dbSNP rs1422774752, ClinGen allele CA383968237.
Genomic context (GRCh38, chr12:12,717,900, plus strand): 5'-ATGTCAAACGTGCGAGTGTCTAACGGGAGCCCTAGCCTGGAGCGGATGGACGCCAGGCAG[G>A]CGGAGCACCCCAAGCCCTCGGCCTGCAGGAACCTCTTCGGCCCGGTGGACCACGAAGAGT-3'
Protein context (NP_004055.1, residues 11-31): PSLERMDARQ[Ala21Thr]EHPKPSACRN

ClinVar aggregate classification (germline): Uncertain significance. Review status: criteria provided, multiple submitters, no conflicts (2 of 4 stars). 2 submissions from 2 submitters: Uncertain significance (2). Last evaluated 2025-06-26.

Conditions:
Hereditary cancer-predisposing syndrome. Also called: Neoplastic Syndromes, Hereditary; Tumor predisposition; Hereditary neoplastic syndrome; Hereditary Cancer Syndrome. Identifiers: Orphanet 140162, MedGen C0027672, MeSH D009386, MONDO:0015356.
Multiple endocrine neoplasia type 4. Also called: MULTIPLE ENDOCRINE NEOPLASIA, TYPE IV. Identifiers: Orphanet 276152, MedGen C1970712, MONDO:0012552, OMIM 610755.

Allele frequency attached by ClinVar (database versions not stated): gnomAD exomes below 0.00001; TOPMed below 0.00001; gnomAD 0.00001.

Submissions (2):

Ambry Genetics
Classification: Uncertain significance for Hereditary cancer-predisposing syndrome. Last evaluated: 2025-06-26. Review status: criteria provided, single submitter. Criteria: Ambry Variant Classification Scheme 2023. Collection method: clinical testing. Allele origin: germline.
Comment: The p.A21T variant (also known as c.61G>A), located in coding exon 1 of the CDKN1B gene, results from a G to A substitution at nucleotide position 61. The alanine at codon 21 is replaced by threonine, an amino acid with similar properties. This amino acid position is not well conserved in available vertebrate species. In addition, this alteration is predicted to be tolerated by in silico analysis. Since supporting evidence is limited at this time, the clinical significance of this alteration remains unclear.

Labcorp Genetics (formerly Invitae), Labcorp
Classification: Uncertain significance for Multiple endocrine neoplasia type 4. Last evaluated: 2023-10-29. Review status: criteria provided, single submitter. Criteria: Invitae Variant Classification Sherloc (09022015). Collection method: clinical testing. Allele origin: germline.
Comment: This sequence change replaces alanine, which is neutral and non-polar, with threonine, which is neutral and polar, at codon 21 of the CDKN1B protein (p.Ala21Thr). This variant is not present in population databases (gnomAD no frequency). This variant has not been reported in the literature in individuals affected with CDKN1B-related conditions. ClinVar contains an entry for this variant (Variation ID: 1752173). Algorithms developed to predict the effect of missense changes on protein structure and function output the following: SIFT: "Not Available"; PolyPhen-2: "Benign"; Align-GVGD: "Not Available". The threonine amino acid residue is found in multiple mammalian species, which suggests that this missense change does not adversely affect protein function. In summary, the available evidence is currently insufficient to determine the role of this variant in disease. Therefore, it has been classified as a Variant of Uncertain Significance.